The following is an entry in ClinVar:

NM_006267.5(RANBP2):c.5251A>G (p.Ser1751Gly)

Gene: RANBP2 (RAN binding protein 2; plus strand). Cytogenetic location: 2q13.
Variant type: single nucleotide variant.
Coding change: c.5251A>G on transcript NM_006267.5 (MANE Select); coding-DNA position 5251, A replaced by G.
Protein change: p.Ser1751Gly; replaces serine 1751 with glycine.
Molecular consequence: missense variant.
Genome position (GRCh38, 1-based): chr2:108,765,790, A>G. VCF-style: chr2-108765790-A-G. GRCh37 (hg19) VCF-style: chr2-109382246-A-G.
Other names: short protein forms S1751G.
Identifiers: ClinVar variation 945171 (VCV000945171.1), dbSNP rs1249787158, ClinGen allele CA348071315.

ClinVar aggregate classification (germline): Uncertain significance (1 of 4 stars; one submission).

Conditions:
Familial acute necrotizing encephalopathy (IIAE3). Also called: ENCEPHALOPATHY, ACUTE, INFECTION-INDUCED, SUSCEPTIBILITY TO, 3; Susceptibility to Acute Necrotizing Encephalopathy 1. Identifiers: Orphanet 88619, MedGen C2675556, MONDO:0011953, OMIM 608033.

Allele frequency attached by ClinVar (database versions not stated): gnomAD 0.00001; TOPMed 0.00001.

Submission:

Labcorp Genetics (formerly Invitae), Labcorp
Classification: Uncertain significance for Encephalopathy, acute, infection-induced, 3, suceptibility to. Last evaluated: 2019-10-01. Review status: criteria provided, single submitter. Criteria: Invitae Variant Classification Sherloc (09022015). Collection method: clinical testing. Allele origin: germline.
Comment: This sequence change replaces serine with glycine at codon 1751 of the RANBP2 protein (p.Ser1751Gly). The serine residue is weakly conserved and there is a small physicochemical difference between serine and glycine. This variant is not present in population databases (ExAC no frequency). This variant has not been reported in the literature in individuals with RANBP2-related conditions. Algorithms developed to predict the effect of missense changes on protein structure and function output the following: SIFT: "Deleterious"; PolyPhen-2: "Possibly Damaging"; Align-GVGD: "Class C0". The glycine amino acid residue is found in multiple mammalian species, suggesting that this missense change does not adversely affect protein function. These predictions have not been confirmed by published functional studies and their clinical significance is uncertain. Algorithms developed to predict the effect of sequence changes on RNA splicing suggest that this variant may create or strengthen a splice site, but this prediction has not been confirmed by published transcriptional studies. In summary, the available evidence is currently insufficient to determine the role of this variant in disease. Therefore, it has been classified as a Variant of Uncertain Significance.